The following is an entry in ClinVar:

ClinVar aggregate classification (germline): Pathogenic (1 of 4 stars; one submission).

Conditions:
Developmental and epileptic encephalopathy. Identifiers: MedGen C5779964, MONDO:0100620.

Submission:

Labcorp Genetics (formerly Invitae), Labcorp
Classification: Pathogenic for Early-infantile DEE. Last evaluated: 2020-08-14. Review status: criteria provided, single submitter. Criteria: Invitae Variant Classification Sherloc (09022015). Collection method: clinical testing. Allele origin: germline.
Comment: This variant is a gross deletion of the genomic region encompassing exons 1-4 of the KCNQ2 gene, which includes the initiator codon. The 5' end of this event is unknown as it extends beyond the assayed region for this gene and therefore may encompass additional genes. The 3' boundary is likely confined to intron 4 of the KCNQ2 gene. This is expected to result in an absent or disrupted protein product. A deletion encompassing exons 1-4 of KCNQ2, as well as several upstream genes, has been reported in a family affected with benign familial neonatal seizures (PMID: 19822871). Loss-of-function variants in KCNQ2 are known to be pathogenic (PMID: 14534157). For these reasons, this variant has been classified as Pathogenic.

Literature cited by the submitters: PubMed 19822871; PubMed 14534157.

NC_000020.10:g.(?_62076002)_(62324646_?)del

Genes: PPDPF (pancreatic progenitor cell differentiation and proliferation factor; plus strand), STMN3 (stathmin 3; minus strand), PTK6 (protein tyrosine kinase 6; minus strand), RTEL1 (regulator of telomere elongation helicase 1; plus strand), SRMS (src-related kinase lacking C-terminal regulatory tyrosine and N-terminal myristylation sites; minus strand) and 5 more. Cytogenetic location: 20q13.33.
Variant type: Deletion.
Identifiers: ClinVar variation 1073749 (VCV001073749.2).